The following is an entry in ClinVar:

ClinVar aggregate classification (germline): Uncertain significance (1 of 4 stars; one submission).

Allele frequency attached by ClinVar (database versions not stated): gnomAD exomes below 0.00001; TOPMed below 0.00001; ExAC 0.00001; gnomAD 0.00001.
gnomAD v4.1: 5 of 1,613,950 alleles (0.00031%); highest among the groups gnomAD compares: East Asian, 0.0022%; no homozygotes.

Submission:

Labcorp Genetics (formerly Invitae), Labcorp
Classification: Uncertain significance. Last evaluated: 2022-10-11. Review status: criteria provided, single submitter. Criteria: Invitae Variant Classification Sherloc (09022015). Collection method: clinical testing. Allele origin: germline.
Comment: This sequence change replaces arginine, which is basic and polar, with tryptophan, which is neutral and slightly polar, at codon 172 of the LAMB3 protein (p.Arg172Trp). This variant is present in population databases (rs767212880, gnomAD 0.003%). This variant has not been reported in the literature in individuals affected with LAMB3-related conditions. Algorithms developed to predict the effect of missense changes on protein structure and function are either unavailable or do not agree on the potential impact of this missense change (SIFT: "Deleterious"; PolyPhen-2: "Benign"; Align-GVGD: "Class C35"). In summary, the available evidence is currently insufficient to determine the role of this variant in disease. Therefore, it has been classified as a Variant of Uncertain Significance.

NM_000228.3(LAMB3):c.514C>T (p.Arg172Trp)

Gene: LAMB3 (laminin subunit beta 3; minus strand). Cytogenetic location: 1q32.2.
Variant type: single nucleotide variant.
Coding change: c.514C>T on transcript NM_000228.3 (MANE Select); coding-DNA position 514, C replaced by T.
Protein change: p.Arg172Trp; replaces arginine 172 with tryptophan.
Molecular consequence: missense variant.
Genome position (GRCh38, 1-based): chr1:209,634,497, G>A on the plus strand (C>T on the coding strand, the complement: LAMB3 is on the minus strand). VCF-style: chr1-209634497-G-A. GRCh37 (hg19) VCF-style: chr1-209807842-G-A.
Other names: c.514C>T, p.Arg172Trp (NM_001017402.2, NM_001127641.1); short protein forms R172W.
Identifiers: ClinVar variation 2162325 (VCV002162325.1), dbSNP rs767212880, ClinGen allele CA1375949.
Genomic context (GRCh38, chr1:209,634,497, plus strand): 5'-CTCTACCTACCTTCCCCCCATTTAGGCGTGCATTAGGCCTCTGAGGCAGGGACTGGCACC[G>A]AACATCCTGCCAGCTCTGAGGCCGACCCTGGCGGACCCGAGGGAAGGTGGAGGTGCAGTC-3'
Protein context (NP_000219.2, residues 162-182): QGRPQSWQDV[Arg172Trp]CQSLPQRPNA